The following is an entry in ClinVar:

NM_024496.4(IRF2BPL):c.1936G>A (p.Val646Met)

Gene: IRF2BPL (interferon regulatory factor 2 binding protein like; minus strand). Cytogenetic location: 14q24.3.
Variant type: single nucleotide variant.
Coding change: c.1936G>A on transcript NM_024496.4 (MANE Select); coding-DNA position 1936, G replaced by A.
Protein change: p.Val646Met; replaces valine 646 with methionine.
Molecular consequence: missense variant.
Genome position (GRCh38, 1-based): chr14:77,025,857, C>T on the plus strand (G>A on the coding strand, the complement: IRF2BPL is on the minus strand). VCF-style: chr14-77025857-C-T. GRCh37 (hg19) VCF-style: chr14-77492200-C-T.
Other names: c.1936G>A (NM_024496.3); short protein forms V646M.
Identifiers: ClinVar variation 3530007 (VCV003530007.2).

ClinVar aggregate classification (germline): Uncertain significance. Review status: criteria provided, multiple submitters, no conflicts (2 of 4 stars). 2 submissions from 2 submitters: Uncertain significance (2). Last evaluated 2025-10-23.

Conditions:
Inborn genetic diseases. Identifiers: MedGen C0950123, MeSH D030342.
IRF2BPL-related disorder. Also called: IRF2BPL-related condition. Identifiers: MedGen CN381093.

Submissions (2):

PreventionGenetics, part of Exact Sciences
Classification: Uncertain significance for IRF2BPL-related condition. Last evaluated: 2025-10-23. Review status: criteria provided, single submitter. Criteria: ACMG Guidelines, 2015. Collection method: clinical testing. Allele origin: germline.
Comment: The IRF2BPL c.1936G>A variant is predicted to result in the amino acid substitution p.Val646Met. To our knowledge, this variant has not been reported in the literature. This variant is reported in 0.0056% of alleles in individuals of East Asian descent in gnomAD. At this time, the clinical significance of this variant is uncertain due to the absence of conclusive functional and genetic evidence.

Ambry Genetics
Classification: Uncertain significance for Inborn genetic diseases. Last evaluated: 2024-12-02. Review status: criteria provided, single submitter. Criteria: Ambry Variant Classification Scheme 2023. Collection method: clinical testing. Allele origin: germline.